The following is an entry in ClinVar:

NM_000090.4(COL3A1):c.186C>T (p.Cys62=)

Gene: COL3A1 (collagen type III alpha 1 chain; plus strand). Cytogenetic location: 2q32.2.
Variant type: single nucleotide variant.
Coding change: c.186C>T on transcript NM_000090.4 (MANE Select); coding-DNA position 186, C replaced by T.
Protein change: p.Cys62=; no amino-acid change (cysteine 62 retained).
Molecular consequence: synonymous variant.
Genome position (GRCh38, 1-based): chr2:188,984,866, C>T. VCF-style: chr2-188984866-C-T. GRCh37 (hg19) VCF-style: chr2-189849592-C-T.
Identifiers: ClinVar variation 459770 (VCV000459770.21), dbSNP rs764749176, ClinGen allele CA074774.

ClinVar aggregate classification (germline): Likely benign. Review status: criteria provided, multiple submitters, no conflicts (2 of 4 stars). 7 submissions from 7 submitters: Likely benign (5). 2 of the submissions do not count toward it. Last evaluated 2025-08-30.

Conditions:
Familial thoracic aortic aneurysm and aortic dissection (TAAD). Also called: Thoracic aortic aneurysms and dissections. Identifiers: Orphanet 91387, MedGen C4707243, MONDO:0019625.
Ehlers-Danlos syndrome, type 4 (EDSVASC). Also called: Ehlers-Danlos syndrome vascular type; Ehlers Danlos syndrome, ecchymotic type; Ehlers Danlos syndrome, arterial type; Ehlers Danlos syndrome, Sack-Barabas type; Ehlers-Danlos Syndrome Type IV. Identifiers: Orphanet 286, MedGen C0268338, MONDO:0017314, OMIM 130050.

Allele frequency attached by ClinVar (database versions not stated): gnomAD exomes 0.00001 and 0.00004; gnomAD 0.00002; TOPMed 0.00004; ExAC 0.00005.
gnomAD v4.1: 29 of 1,613,196 alleles (0.0018%); highest among the groups gnomAD compares: East Asian, 0.018%; no homozygotes.

Submissions (7):

Labcorp Genetics (formerly Invitae), Labcorp
Classification: Likely benign for Ehlers-Danlos syndrome, type 4. Last evaluated: 2025-08-30. Review status: criteria provided, single submitter. Criteria: Invitae Variant Classification Sherloc (09022015). Collection method: clinical testing. Allele origin: germline.

Women's Health and Genetics/Laboratory Corporation of America, LabCorp
Classification: Likely benign. Last evaluated: 2025-01-13. Review status: criteria provided, single submitter. Criteria: LabCorp Variant Classification Summary - May 2015. Collection method: clinical testing. Allele origin: germline.

All of Us Research Program, National Institutes of Health
Classification: Likely benign for Ehlers-Danlos syndrome, type 4. Last evaluated: 2023-11-02. Review status: criteria provided, single submitter. Criteria: ACMG Guidelines, 2015. Collection method: clinical testing. Allele origin: germline. Inheritance: Autosomal dominant inheritance. Observed: 2 variant alleles, 2 heterozygotes.
Comment: This study involves interpretation of variants in research participants for the purpose of population health screening. Participant phenotype was not available at the time of variant classification. Additional details can be found in publication PMID: 35346344, PMCID: PMC8962531

Color Diagnostics, LLC DBA Color Health
Classification: Likely benign for Familial thoracic aortic aneurysm and aortic dissection. Last evaluated: 2018-11-30. Review status: criteria provided, single submitter. Criteria: ACMG Guidelines, 2015. Collection method: clinical testing. Allele origin: germline.

Ambry Genetics
Classification: Likely benign for Familial thoracic aortic aneurysm and aortic dissection. Last evaluated: 2018-08-10. Review status: criteria provided, single submitter. Criteria: Ambry Variant Classification Scheme 2023. Collection method: clinical testing. Allele origin: germline.

Genome Diagnostics Laboratory, Amsterdam University Medical Center
Classification: Likely benign. Review status: no assertion criteria provided. Collection method: clinical testing. Allele origin: germline. Affected: yes. Study: VKGL Data-share Consensus. Not counted in ClinVar's aggregate classification.

Genome Diagnostics Laboratory, University Medical Center Utrecht
Classification: Likely benign. Review status: no assertion criteria provided. Collection method: clinical testing. Allele origin: germline. Affected: yes. Study: VKGL Data-share Consensus. Not counted in ClinVar's aggregate classification.